The following is an entry in ClinVar:

NM_005629.4(SLC6A8):c.877C>G (p.Leu293Val)

Gene: SLC6A8 (solute carrier family 6 member 8; plus strand). Cytogenetic location: Xq28.
Variant type: single nucleotide variant.
Coding change: c.877C>G on transcript NM_005629.4 (MANE Select); coding-DNA position 877, C replaced by G.
Protein change: p.Leu293Val; replaces leucine 293 with valine.
Molecular consequence: missense variant.
Genome position (GRCh38, 1-based): chrX:153,693,140, C>G. VCF-style: chrX-153693140-C-G. GRCh37 (hg19) VCF-style: chrX-152958595-C-G.
Other names: c.877C>G, p.Leu293Val (NM_001142805.2); c.532C>G, p.Leu178Val (NM_001142806.1); short protein forms L178V, L293V.
Identifiers: ClinVar variation 1722945 (VCV001722945.2), dbSNP rs2522162106, ClinGen allele CA415084053.

ClinVar aggregate classification (germline): Uncertain significance (1 of 4 stars; one submission).

Submission:

GeneDx
Classification: Uncertain significance. Last evaluated: 2022-11-04. Review status: criteria provided, single submitter. Criteria: GeneDx Variant Classification Process June 2021. Collection method: clinical testing. Allele origin: germline. Affected: yes.
Comment: Has not been previously published as pathogenic or benign to our knowledge; Not observed in large population cohorts (gnomAD); In silico analysis supports that this missense variant has a deleterious effect on protein structure/function